The following is an entry in ClinVar:

ClinVar aggregate classification (germline): Uncertain significance (0 of 4 stars; one submission).

Conditions:
SMARCA2-related disorder. Also called: SMARCA2-related condition.

gnomAD v4.1: 50 of 1,613,894 alleles (0.0031%); highest among the groups gnomAD compares: Admixed American, 0.012%; no homozygotes.

Submission:

PreventionGenetics, part of Exact Sciences
Classification: Uncertain significance for SMARCA2-related condition. Last evaluated: 2024-05-01. Review status: no assertion criteria provided. Collection method: clinical testing. Allele origin: germline.
Comment: The SMARCA2 c.4117G>A variant is predicted to result in the amino acid substitution p.Ala1373Thr. To our knowledge, this variant has not been reported in the literature. This variant is reported in 0.0056% of alleles in individuals of Latino descent in gnomAD. At this time, the clinical significance of this variant is uncertain due to the absence of conclusive functional and genetic evidence.

NM_003070.5(SMARCA2):c.4117G>A (p.Ala1373Thr)

Gene: SMARCA2 (SWI/SNF related BAF chromatin remodeling complex subunit ATPase 2; plus strand). Cytogenetic location: 9p24.3.
Variant type: single nucleotide variant.
Coding change: c.4117G>A on transcript NM_003070.5 (MANE Select); coding-DNA position 4117, G replaced by A.
Protein change: p.Ala1373Thr; replaces alanine 1373 with threonine.
Molecular consequence: missense variant.
Genome position (GRCh38, 1-based): chr9:2,161,821, G>A. VCF-style: chr9-2161821-G-A. GRCh37 (hg19) VCF-style: chr9-2161821-G-A.
Other names: c.4117G>A, p.Ala1373Thr (NM_001289396.2, NM_139045.4); c.3943G>A, p.Ala1315Thr (NM_001289397.2); c.145G>A, p.Ala49Thr (NM_001289398.2); c.229G>A, p.Ala77Thr (NM_001289399.2); c.235G>A, p.Ala79Thr (NM_001289400.2); short protein forms A1315T, A1373T, A49T, A77T, A79T.
Identifiers: ClinVar variation 3357256 (VCV003357256.1).